The following is an entry in ClinVar:

NM_000143.4(FH):c.1252C>T (p.His418Tyr)

Gene: FH (fumarate hydratase; minus strand). Cytogenetic location: 1q43.
Variant type: single nucleotide variant.
Coding change: c.1252C>T on transcript NM_000143.4 (MANE Select); coding-DNA position 1252, C replaced by T.
Protein change: p.His418Tyr; replaces histidine 418 with tyrosine.
Molecular consequence: missense variant.
Genome position (GRCh38, 1-based): chr1:241,500,575, G>A on the plus strand (C>T on the coding strand, the complement: FH is on the minus strand). VCF-style: chr1-241500575-G-A. GRCh37 (hg19) VCF-style: chr1-241663875-G-A.
Other names: short protein forms H418Y.
Identifiers: ClinVar variation 1761052 (VCV001761052.6), dbSNP rs2527313187, ClinGen allele CA345436892.

ClinVar aggregate classification (germline): Uncertain significance. Review status: criteria provided, multiple submitters, no conflicts (2 of 4 stars). 2 submissions from 2 submitters: Uncertain significance (2). Last evaluated 2025-12-14.

Conditions:
Hereditary cancer-predisposing syndrome. Also called: Neoplastic Syndromes, Hereditary; Tumor predisposition; Hereditary Cancer Syndrome; Hereditary neoplastic syndrome. Identifiers: Orphanet 140162, MedGen C0027672, MeSH D009386, MONDO:0015356.

Submissions (2):

Labcorp Genetics (formerly Invitae), Labcorp
Classification: Uncertain significance. Last evaluated: 2025-12-14. Review status: criteria provided, single submitter. Criteria: Invitae Variant Classification Sherloc (09022015). Collection method: clinical testing. Allele origin: germline.
Comment: This sequence change replaces histidine, which is basic and polar, with tyrosine, which is neutral and polar, at codon 418 of the FH protein (p.His418Tyr). This variant is not present in population databases (gnomAD no frequency). This variant has not been reported in the literature in individuals affected with FH-related conditions. ClinVar contains an entry for this variant (Variation ID: 1761052). Invitae Evidence Modeling of protein sequence and biophysical properties (such as structural, functional, and spatial information, amino acid conservation, physicochemical variation, residue mobility, and thermodynamic stability) indicates that this missense variant is expected to disrupt FH protein function with a positive predictive value of 95%. In summary, the available evidence is currently insufficient to determine the role of this variant in disease. Therefore, it has been classified as a Variant of Uncertain Significance.

Ambry Genetics
Classification: Uncertain significance for Hereditary cancer-predisposing syndrome. Last evaluated: 2025-03-06. Review status: criteria provided, single submitter. Criteria: Ambry Variant Classification Scheme 2023. Collection method: clinical testing. Allele origin: germline.
Comment: The p.H418Y variant (also known as c.1252C>T), located in coding exon 9 of the FH gene, results from a C to T substitution at nucleotide position 1252. The histidine at codon 418 is replaced by tyrosine, an amino acid with similar properties. This amino acid position is not well conserved in available vertebrate species. In addition, the in silico prediction for this alteration is inconclusive. Based on the available evidence, the clinical significance of this variant remains unclear.